The following is an entry in ClinVar:

NM_001378120.1(MBD5):c.2396C>T (p.Ser799Leu)

Gene: MBD5 (methyl-CpG binding domain protein 5; plus strand). Cytogenetic location: 2q23.1.
Variant type: single nucleotide variant.
Coding change: c.2396C>T on transcript NM_001378120.1 (MANE Select); coding-DNA position 2396, C replaced by T.
Protein change: p.Ser799Leu; replaces serine 799 with leucine.
Molecular consequence: missense variant.
Genome position (GRCh38, 1-based): chr2:148,470,339, C>T. VCF-style: chr2-148470339-C-T. GRCh37 (hg19) VCF-style: chr2-149227908-C-T.
Other names: c.2396C>T, p.Ser799Leu (NM_018328.5); short protein forms S799L.
Identifiers: ClinVar variation 1380466 (VCV001380466.7), dbSNP rs759990854, ClinGen allele CA1900134.

ClinVar aggregate classification (germline): Uncertain significance. Review status: criteria provided, multiple submitters, no conflicts (2 of 4 stars). 2 submissions from 2 submitters: Uncertain significance (2). Last evaluated 2025-01-17.

Conditions:
Intellectual developmental disorder, autosomal dominant 1. Also called: Intellectual disability, autosomal dominant 1; MBD5 Haploinsufficiency. Identifiers: Orphanet 228402, MedGen C1969562, MONDO:0007974, OMIM 156200.

Allele frequency attached by ClinVar (database versions not stated): gnomAD 0.00003 and 0.00002; TOPMed 0.00002.
gnomAD v4.1: 19 of 1,613,864 alleles (0.0012%); highest among the groups gnomAD compares: East Asian, 0.018%; no homozygotes.

Submissions (2):

Labcorp Genetics (formerly Invitae), Labcorp
Classification: Uncertain significance for Intellectual developmental disorder, autosomal dominant 1. Last evaluated: 2025-01-17. Review status: criteria provided, single submitter. Criteria: Invitae Variant Classification Sherloc (09022015). Collection method: clinical testing. Allele origin: germline.
Comment: This sequence change replaces serine, which is neutral and polar, with leucine, which is neutral and non-polar, at codon 799 of the MBD5 protein (p.Ser799Leu). This variant is present in population databases (rs759990854, gnomAD 0.03%). This variant has not been reported in the literature in individuals affected with MBD5-related conditions. ClinVar contains an entry for this variant (Variation ID: 1380466). Invitae Evidence Modeling of protein sequence and biophysical properties (such as structural, functional, and spatial information, amino acid conservation, physicochemical variation, residue mobility, and thermodynamic stability) indicates that this missense variant is not expected to disrupt MBD5 protein function with a negative predictive value of 80%. In summary, the available evidence is currently insufficient to determine the role of this variant in disease. Therefore, it has been classified as a Variant of Uncertain Significance.

Fulgent Genetics
Classification: Uncertain significance for Intellectual developmental disorder, autosomal dominant 1. Last evaluated: 2021-08-09. Review status: criteria provided, single submitter. Criteria: ACMG Guidelines, 2015. Collection method: clinical testing. Allele origin: unknown.